The following is an entry in ClinVar:

ClinVar aggregate classification (germline): Benign (0 of 4 stars; one submission).

Conditions:
LRRIQ3-related disorder. Also called: LRRIQ3-related condition.

Allele frequency attached by ClinVar (database versions not stated): 1000 Genomes Project 30x 0.79856; 1000 Genomes Project 0.80491; TOPMed 0.80901; gnomAD 0.81561; ESP Exome Variant Server 0.82255; ExAC 0.88527; gnomAD exomes 0.91363.
gnomAD v4.1: 1,418,666 of 1,569,530 alleles (90%); highest among the groups gnomAD compares: East Asian, 97%; 646,391 homozygotes.

Submission:

PreventionGenetics, part of Exact Sciences
Classification: Benign for LRRIQ3-related condition. Last evaluated: 2020-10-23. Review status: no assertion criteria provided. Collection method: clinical testing. Allele origin: germline.
Comment: This variant is classified as benign based on ACMG/AMP sequence variant interpretation guidelines (Richards et al. 2015 PMID: 25741868, with internal and published modifications).

NM_001105659.2(LRRIQ3):c.763G>A (p.Ala255Thr)

Gene: LRRIQ3 (leucine rich repeats and IQ motif containing 3; minus strand). Cytogenetic location: 1p31.1.
Variant type: single nucleotide variant.
Coding change: c.763G>A on transcript NM_001105659.2 (MANE Select); coding-DNA position 763, G replaced by A.
Protein change: p.Ala255Thr; replaces alanine 255 with threonine.
Molecular consequence: missense variant.
Genome position (GRCh38, 1-based): chr1:74,109,498, C>T on the plus strand (G>A on the coding strand, the complement: LRRIQ3 is on the minus strand). VCF-style: chr1-74109498-C-T. GRCh37 (hg19) VCF-style: chr1-74575182-C-T.
Other names: c.763G>A, p.Ala255Thr (NM_001322315.2); short protein forms A255T.
Identifiers: ClinVar variation 3059800 (VCV003059800.2), dbSNP rs1340472, ClinGen allele CA907932.